The following is an entry in ClinVar:

NM_000448.3(RAG1):c.1282G>A (p.Gly428Arg)

Gene: RAG1 (recombination activating 1; plus strand). Cytogenetic location: 11p12.
Variant type: single nucleotide variant.
Coding change: c.1282G>A on transcript NM_000448.3 (MANE Select); coding-DNA position 1282, G replaced by A.
Protein change: p.Gly428Arg; replaces glycine 428 with arginine.
Molecular consequence: missense variant.
Genome position (GRCh38, 1-based): chr11:36,574,586, G>A. VCF-style: chr11-36574586-G-A. GRCh37 (hg19) VCF-style: chr11-36596136-G-A.
Other names: c.1282G>A, p.Gly428Arg (NM_001377277.1, NM_001377278.1, NM_001377279.1 and 1 more transcripts); short protein forms G428R.
Identifiers: ClinVar variation 1444935 (VCV001444935.8), dbSNP rs2133295410, ClinGen allele CA380152180.

ClinVar aggregate classification (germline): Uncertain significance (1 of 4 stars; one submission).

Conditions:
Combined immunodeficiency with skin granulomas. Identifiers: Orphanet 157949, MedGen C2673536, MONDO:0009306, OMIM 233650.
Severe combined immunodeficiency, autosomal recessive, T cell-negative, B cell-negative, NK cell-positive. Also called: SCID, T CELL-NEGATIVE, B CELL-NEGATIVE, NK CELL-POSITIVE; SCID, AR, T-cell negative, B-cell negative, NK cell-positive; Severe combined immunodeficiency due to complete RAG1/2 deficiency. Identifiers: Orphanet 331206, MedGen C1832322, MONDO:0011086, OMIM 601457.

Submission:

Labcorp Genetics (formerly Invitae), Labcorp
Classification: Uncertain significance for Combined immunodeficiency with skin granulomas; Severe combined immunodeficiency, autosomal recessive, T cell-negative, B cell-negative, NK cell-positive. Last evaluated: 2023-08-10. Review status: criteria provided, single submitter. Criteria: Invitae Variant Classification Sherloc (09022015). Collection method: clinical testing. Allele origin: germline.
Comment: This sequence change replaces glycine, which is neutral and non-polar, with arginine, which is basic and polar, at codon 428 of the RAG1 protein (p.Gly428Arg). This variant is not present in population databases (gnomAD no frequency). This variant has not been reported in the literature in individuals affected with RAG1-related conditions. ClinVar contains an entry for this variant (Variation ID: 1444935). Advanced modeling of protein sequence and biophysical properties (such as structural, functional, and spatial information, amino acid conservation, physicochemical variation, residue mobility, and thermodynamic stability) has been performed at Invitae for this missense variant, however the output from this modeling did not meet the statistical confidence thresholds required to predict the impact of this variant on RAG1 protein function. In summary, the available evidence is currently insufficient to determine the role of this variant in disease. Therefore, it has been classified as a Variant of Uncertain Significance.